The following is an entry in ClinVar:

NM_001174147.2(LMX1B):c.745C>A (p.Arg249=)

Gene: LMX1B (LIM homeobox transcription factor 1 beta; plus strand). Cytogenetic location: 9q33.3.
Variant type: single nucleotide variant.
Coding change: c.745C>A on transcript NM_001174147.2 (MANE Select); coding-DNA position 745, C replaced by A.
Protein change: p.Arg249=; no amino-acid change (arginine 249 retained).
Molecular consequence: synonymous variant.
Genome position (GRCh38, 1-based): chr9:126,693,527, C>A. VCF-style: chr9-126693527-C-A. GRCh37 (hg19) VCF-style: chr9-129455806-C-A.
Other names: c.745C>A, p.Arg249= (NM_001174146.2, NM_002316.4).
Identifiers: ClinVar variation 1401618 (VCV001401618.9), dbSNP rs121909492, ClinGen allele CA467136669.

ClinVar aggregate classification (germline): Uncertain significance. Review status: criteria provided, multiple submitters, no conflicts (2 of 4 stars). 2 submissions from 2 submitters: Uncertain significance (2). Last evaluated 2024-01-30.

Conditions:
Nail-patella syndrome (NPS). Also called: ONYCHOOSTEODYSPLASIA; TURNER-KIESER SYNDROME; FONG DISEASE. Identifiers: Orphanet 2614, MedGen C0027341, MONDO:0008061, OMIM 161200.
Nail-patella-like renal disease. Also called: Focal Segmental Glomerulosclerosis 10; GLOMERULAR BASEMENT MEMBRANE DISEASE, NAIL-PATELLA SYNDROME TYPE. Identifiers: Orphanet 2613, MedGen C0403548, MONDO:0009724, OMIM 256020.

gnomAD v4.1: 7 of 1,613,956 alleles (0.00043%); highest among the groups gnomAD compares: Non-Finnish European, 0.00059%; no homozygotes.

Submissions (2):

Fulgent Genetics
Classification: Uncertain significance for Nail-patella syndrome; Nail-patella-like renal disease. Last evaluated: 2024-01-30. Review status: criteria provided, single submitter. Criteria: ACMG Guidelines, 2015. Collection method: clinical testing. Allele origin: germline.

Labcorp Genetics (formerly Invitae), Labcorp
Classification: Uncertain significance. Last evaluated: 2023-05-31. Review status: criteria provided, single submitter. Criteria: Invitae Variant Classification Sherloc (09022015). Collection method: clinical testing. Allele origin: germline.
Comment: In summary, the available evidence is currently insufficient to determine the role of this variant in disease. Therefore, it has been classified as a Variant of Uncertain Significance. Algorithms developed to predict the effect of sequence changes on RNA splicing suggest that this variant may create or strengthen a splice site. ClinVar contains an entry for this variant (Variation ID: 1401618). This variant has not been reported in the literature in individuals affected with LMX1B-related conditions. This variant is not present in population databases (gnomAD no frequency). This sequence change affects codon 249 of the LMX1B mRNA. It is a 'silent' change, meaning that it does not change the encoded amino acid sequence of the LMX1B protein.